The following is an entry in ClinVar:

NM_000075.4(CDK4):c.485C>A (p.Ala162Asp)

Gene: CDK4 (cyclin dependent kinase 4; minus strand). Cytogenetic location: 12q14.1.
Variant type: single nucleotide variant.
Coding change: c.485C>A on transcript NM_000075.4 (MANE Select); coding-DNA position 485, C replaced by A.
Protein change: p.Ala162Asp; replaces alanine 162 with aspartic acid.
Molecular consequence: missense variant.
Genome position (GRCh38, 1-based): chr12:57,750,960, G>T on the plus strand (C>A on the coding strand, the complement: CDK4 is on the minus strand). VCF-style: chr12-57750960-G-T. GRCh37 (hg19) VCF-style: chr12-58144743-G-T.
Other names: short protein forms A162D.
Identifiers: ClinVar variation 578222 (VCV000578222.9), dbSNP rs1565806506, ClinGen allele CA385546259.

ClinVar aggregate classification (germline): Uncertain significance. Review status: criteria provided, multiple submitters, no conflicts (2 of 4 stars). 2 submissions from 2 submitters: Uncertain significance (2). Last evaluated 2025-09-26.

Conditions:
Familial melanoma. Also called: Hereditary melanoma; Hereditary cutaneous melanoma. Identifiers: Orphanet 618, MedGen C1512419, MONDO:0018961.
Hereditary cancer-predisposing syndrome. Also called: Tumor predisposition; Hereditary neoplastic syndrome; Hereditary Cancer Syndrome; Neoplastic Syndromes, Hereditary. Identifiers: Orphanet 140162, MedGen C0027672, MeSH D009386, MONDO:0015356.

Allele frequency attached by ClinVar (database versions not stated): gnomAD exomes below 0.00001.
gnomAD v4.1: 1 of 1,614,018 alleles (0.000062%); highest among the groups gnomAD compares: Non-Finnish European, 0.000085%; no homozygotes.

Submissions (2):

Ambry Genetics
Classification: Uncertain significance for Hereditary cancer-predisposing syndrome. Last evaluated: 2025-09-26. Review status: criteria provided, single submitter. Criteria: Ambry Variant Classification Scheme 2023. Collection method: clinical testing. Allele origin: germline.
Comment: The p.A162D variant (also known as c.485C>A), located in coding exon 3 of the CDK4 gene, results from a C to A substitution at nucleotide position 485. The alanine at codon 162 is replaced by aspartic acid, an amino acid with dissimilar properties. This amino acid position is highly conserved in available vertebrate species. In addition, this alteration is predicted to be deleterious by in silico analysis. Based on the available evidence, the clinical significance of this variant remains unclear.

Labcorp Genetics (formerly Invitae), Labcorp
Classification: Uncertain significance for Familial melanoma. Last evaluated: 2025-03-24. Review status: criteria provided, single submitter. Criteria: Invitae Variant Classification Sherloc (09022015). Collection method: clinical testing. Allele origin: germline.
Comment: This sequence change replaces alanine, which is neutral and non-polar, with aspartic acid, which is acidic and polar, at codon 162 of the CDK4 protein (p.Ala162Asp). This variant is not present in population databases (gnomAD no frequency). This variant has not been reported in the literature in individuals affected with CDK4-related conditions. ClinVar contains an entry for this variant (Variation ID: 578222). Invitae Evidence Modeling of protein sequence and biophysical properties (such as structural, functional, and spatial information, amino acid conservation, physicochemical variation, residue mobility, and thermodynamic stability) indicates that this missense variant is expected to disrupt CDK4 protein function with a positive predictive value of 95%. In summary, the available evidence is currently insufficient to determine the role of this variant in disease. Therefore, it has been classified as a Variant of Uncertain Significance.